The following is an entry in ClinVar:

ClinVar aggregate classification (germline): Uncertain significance (1 of 4 stars; one submission).

gnomAD v4.1: 4 of 1,609,624 alleles (0.00025%); highest among the groups gnomAD compares: South Asian, 0.0045%; no homozygotes.

Submission:

Labcorp Genetics (formerly Invitae), Labcorp
Classification: Uncertain significance. Last evaluated: 2025-08-07. Review status: criteria provided, single submitter. Criteria: Invitae Variant Classification Sherloc (09022015). Collection method: clinical testing. Allele origin: germline.
Comment: This sequence change replaces lysine, which is basic and polar, with glutamine, which is neutral and polar, at codon 82 of the ATP6V1E1 protein (p.Lys82Gln). This variant is present in population databases (rs772128531, gnomAD 0.01%). This variant has not been reported in the literature in individuals affected with ATP6V1E1-related conditions. An algorithm developed to predict the effect of missense changes on protein structure and function (PolyPhen-2) suggests that this variant is likely to be tolerated. In summary, the available evidence is currently insufficient to determine the role of this variant in disease. Therefore, it has been classified as a Variant of Uncertain Significance.

NM_001696.4(ATP6V1E1):c.244A>C (p.Lys82Gln)

Gene: ATP6V1E1 (ATPase H+ transporting V1 subunit E1; minus strand). Cytogenetic location: 22q11.21.
Variant type: single nucleotide variant.
Coding change: c.244A>C on transcript NM_001696.4 (MANE Select); coding-DNA position 244, A replaced by C.
Protein change: p.Lys82Gln; replaces lysine 82 with glutamine.
Molecular consequence: missense variant.
Genome position (GRCh38, 1-based): chr22:17,612,844, T>G on the plus strand (A>C on the coding strand, the complement: ATP6V1E1 is on the minus strand). VCF-style: chr22-17612844-T-G. GRCh37 (hg19) VCF-style: chr22-18095610-T-G.
Other names: c.178A>C, p.Lys60Gln (NM_001039366.1); c.244A>C, p.Lys82Gln (NM_001039367.1); short protein forms K60Q, K82Q.
Identifiers: ClinVar variation 4749250 (VCV004749250.1).